The following is an entry in ClinVar:

NM_001276270.2(MBD4):c.458C>T (p.Ser153Leu)

Gene: MBD4 (methyl-CpG binding domain 4, DNA glycosylase; minus strand). Cytogenetic location: 3q21.3.
Variant type: single nucleotide variant.
Coding change: c.458C>T on transcript NM_001276270.2 (MANE Select); coding-DNA position 458, C replaced by T.
Protein change: p.Ser153Leu; replaces serine 153 with leucine.
Molecular consequence: missense variant. On other transcripts: intron variant (1).
Genome position (GRCh38, 1-based): chr3:129,437,186, G>A on the plus strand (C>T on the coding strand, the complement: MBD4 is on the minus strand). VCF-style: chr3-129437186-G-A. GRCh37 (hg19) VCF-style: chr3-129156029-G-A.
Other names: c.458C>T, p.Ser153Leu (NM_001276271.2, NM_001276272.2, NM_003925.3); c.247+622C>T (NM_001276273.2); short protein forms S153L.
Identifiers: ClinVar variation 4859558 (VCV004859558.1).

ClinVar aggregate classification (germline): Uncertain significance (1 of 4 stars; one submission).

Conditions:
Inborn genetic diseases. Identifiers: MedGen C0950123, MeSH D030342.

gnomAD v4.1: 2 of 1,613,974 alleles (0.00012%); highest among the groups gnomAD compares: East Asian, 0.0022%; no homozygotes.

Submission:

Ambry Genetics
Classification: Uncertain significance for Inborn genetic diseases. Last evaluated: 2026-03-18. Review status: criteria provided, single submitter. Criteria: Ambry Variant Classification Scheme 2023. Collection method: clinical testing. Allele origin: germline.
Comment: The p.S153L variant (also known as c.458C>T), located in coding exon 3 of the MBD4 gene, results from a C to T substitution at nucleotide position 458. The serine at codon 153 is replaced by leucine, an amino acid with dissimilar properties. This amino acid position is conserved. In addition, the in silico prediction for this alteration is inconclusive. Based on the available evidence, the clinical significance of this variant remains unclear.